The following is an entry in ClinVar:

ClinVar aggregate classification (germline): Pathogenic (1 of 4 stars; one submission).

Conditions:
Glycogen storage disease type III (GSD3). Also called: FORBES DISEASE; Cori disease. Identifiers: Orphanet 366, MedGen C0017922, MONDO:0009291, OMIM 232400.

Submission:

Labcorp Genetics (formerly Invitae), Labcorp
Classification: Pathogenic for Glycogen storage disease type III. Last evaluated: 2023-11-18. Review status: criteria provided, single submitter. Criteria: Invitae Variant Classification Sherloc (09022015). Collection method: clinical testing. Allele origin: germline.
Comment: This sequence change creates a premature translational stop signal (p.Arg285Glufs*3) in the AGL gene. It is expected to result in an absent or disrupted protein product. Loss-of-function variants in AGL are known to be pathogenic (PMID: 19299494). This variant is not present in population databases (gnomAD no frequency). This variant has not been reported in the literature in individuals affected with AGL-related conditions. ClinVar contains an entry for this variant (Variation ID: 1957625). For these reasons, this variant has been classified as Pathogenic.

Literature cited by the submitters: PubMed 19299494.

NM_000642.3(AGL):c.853del (p.Arg285fs)

Gene: AGL (amylo-alpha-1,6-glucosidase and 4-alpha-glucanotransferase; plus strand). Cytogenetic location: 1p21.2.
Variant type: Deletion.
Coding change: c.853del on transcript NM_000642.3 (MANE Select); coding-DNA position 853, one base deleted (C; older notation c.853delC).
Protein change: p.Arg285fs; shifts the reading frame from arginine 285.
Molecular consequence: frameshift variant.
Genome position (GRCh38, 1-based): chr1:99,870,764, C deleted; the last of 2 consecutive C bases (chr1:99,870,763-99,870,764); deleting either gives the same sequence. VCF-style (leftmost placement, unchanged base first): chr1-99870762-TC-T. GRCh37 (hg19) VCF-style: chr1-100336318-TC-T.
Other names: c.853delC, p.Arg285Glufs (NM_000028.3, NM_000643.3, NM_000644.3 and 3 more transcripts); c.649delC, p.Arg217Glufs (NM_001425328.1, NM_001425329.1); c.475delC, p.Arg159Glufs (NM_001425332.1); c.805delC, p.Arg269Glufs (NM_000646.3); short protein forms R269fs, R285fs.
Identifiers: ClinVar variation 1957625 (VCV001957625.5), dbSNP rs2524562895, ClinGen allele CA2580063388.